The following is an entry in ClinVar:

ClinVar aggregate classification (germline): Uncertain significance (1 of 4 stars; one submission).

Conditions:
Epidermolysis bullosa simplex 5B, with muscular dystrophy (EBS5B). Also called: EPIDERMOLYSIS BULLOSA SIMPLEX AND LIMB-GIRDLE MUSCULAR DYSTROPHY; Epidermolysis bullosa simplex with muscular dystrophy. Identifiers: Orphanet 257, MedGen C2931072, MONDO:0009181, OMIM 226670.
Epidermolysis bullosa simplex with nail dystrophy (EBS5D). Identifiers: MedGen C4225309, MONDO:0014661, OMIM 616487.
Epidermolysis bullosa simplex, Ogna type (EBS5A). Also called: Pidermolysis bullosa simplex 5A, Ogna type; EPIDERMOLYSIS BULLOSA SIMPLEX 5A, OGNA TYPE. Identifiers: Orphanet 79401, MedGen C0432317, MONDO:0007555, OMIM 131950.
Epidermolysis bullosa simplex 5C, with pyloric atresia (EBS5C). Also called: PLEC-Related Epidermolysis Bullosa with Pyloric Atresia; Epidermolysis bullosa simplex with pyloric atresia; PLEC1-Related Epidermolysis Bullosa with Pyloric Atresia. Identifiers: Orphanet 158684, MedGen C2677349, MONDO:0012807, OMIM 612138.
Autosomal recessive limb-girdle muscular dystrophy type 2Q (LGMDR17). Also called: MUSCULAR DYSTROPHY, LIMB-GIRDLE, AUTOSOMAL RECESSIVE 17. Identifiers: Orphanet 254361, MedGen C3150989, MONDO:0013390, OMIM 613723.

Allele frequency attached by ClinVar (database versions not stated): gnomAD exomes below 0.00001.
gnomAD v4.1: 3 of 1,611,790 alleles (0.00019%); highest among the groups gnomAD compares: Non-Finnish European, 0.00025%; no homozygotes.

Submission:

Labcorp Genetics (formerly Invitae), Labcorp
Classification: Uncertain significance for Autosomal recessive limb-girdle muscular dystrophy type 2Q; Epidermolysis bullosa simplex, Ogna type; Epidermolysis bullosa simplex with nail dystrophy; Epidermolysis bullosa simplex 5C, with pyloric atresia; Epidermolysis bullosa simplex 5B, with muscular dystrophy. Last evaluated: 2021-07-26. Review status: criteria provided, single submitter. Criteria: Invitae Variant Classification Sherloc (09022015). Collection method: clinical testing. Allele origin: germline.
Comment: This variant has not been reported in the literature in individuals affected with PLEC-related conditions. This variant is not present in population databases (ExAC no frequency). This sequence change replaces alanine with valine at codon 454 of the PLEC protein (p.Ala454Val). The alanine residue is moderately conserved and there is a small physicochemical difference between alanine and valine. Algorithms developed to predict the effect of missense changes on protein structure and function output the following: SIFT: "Deleterious"; PolyPhen-2: "Not Available"; Align-GVGD: "Class C0". The valine amino acid residue is found in multiple mammalian species, which suggests that this missense change does not adversely affect protein function. In summary, the available evidence is currently insufficient to determine the role of this variant in disease. Therefore, it has been classified as a Variant of Uncertain Significance.

NM_201384.3(PLEC):c.1280C>T (p.Ala427Val)

Gene: PLEC (plectin; minus strand). Cytogenetic location: 8q24.3.
Variant type: single nucleotide variant.
Coding change: c.1280C>T on transcript NM_201384.3 (MANE Select); coding-DNA position 1280, C replaced by T.
Protein change: p.Ala427Val; replaces alanine 427 with valine.
Molecular consequence: missense variant.
Genome position (GRCh38, 1-based): chr8:143,933,335, G>A on the plus strand (C>T on the coding strand, the complement: PLEC is on the minus strand). VCF-style: chr8-143933335-G-A. GRCh37 (hg19) VCF-style: chr8-145007503-G-A.
Other names: c.1361C>T, p.Ala454Val (NM_000445.5); c.1238C>T, p.Ala413Val (NM_201378.4); c.1214C>T, p.Ala405Val (NM_201379.3); c.1691C>T, p.Ala564Val (NM_201380.4); c.1184C>T, p.Ala395Val (NM_201381.3); c.1280C>T, p.Ala427Val (NM_201382.4); c.1292C>T, p.Ala431Val (NM_201383.3); short protein forms A427V, A564V, A413V, A395V, A454V, A405V, A431V.
Identifiers: ClinVar variation 1521531 (VCV001521531.8), dbSNP rs1554719371, ClinGen allele CA372582652.